The following is an entry in ClinVar:

ClinVar aggregate classification (germline): Likely pathogenic (1 of 4 stars; one submission).

Conditions:
Immunodeficiency, common variable, 12 (CVID12). Also called: IMMUNODEFICIENCY, COMMON VARIABLE, 12, WITH AUTOIMMUNITY; NFKB1 DEFICIENCY. Identifiers: Orphanet 1572, Orphanet 696874, MedGen C4225277, MONDO:0014697, OMIM 616576.

Submission:

Broad Center for Mendelian Genomics, Broad Institute of MIT and Harvard
Classification: Likely pathogenic for Immunodeficiency, common variable, 12. Last evaluated: 2025-06-27. Review status: criteria provided, single submitter. Criteria: ACMG Guidelines, 2015. Collection method: curation. Allele origin: germline. Inheritance: Autosomal dominant inheritance. Study: GREGoR Consortium.
Comment: The p.Leu840Ter variant in NFKB1 has not been previously reported in the literature in individuals with common variable immunodeficiency, and was absent from large population studies. This nonsense variant leads to a premature termination codon at position 840, which is predicted to lead to a truncated or absent protein. Loss of function of the NFKB1 protein is an established disease mechanism in autosomal dominant common variable immunodeficiency. In summary, although additional studies are required to fully establish its clinical significance, this variant is likely pathogenic for autosomal dominant common variable immunodeficiency. ACMG/AMP Criteria applied: PVS1, PM2_supporting (Richards 2015).

NM_003998.4(NFKB1):c.2519T>G (p.Leu840Ter)

Gene: NFKB1 (nuclear factor kappa B subunit 1; plus strand). Cytogenetic location: 4q24.
Variant type: single nucleotide variant.
Coding change: c.2519T>G on transcript NM_003998.4 (MANE Select); coding-DNA position 2519, T replaced by G.
Protein change: p.Leu840Ter; replaces leucine 840 with a stop codon.
Molecular consequence: nonsense.
Genome position (GRCh38, 1-based): chr4:102,612,533, T>G. VCF-style: chr4-102612533-T-G. GRCh37 (hg19) VCF-style: chr4-103533690-T-G.
Other names: NM_001382628.1:c.2477T>G; c.2516T>G, p.Leu839Ter (NM_001165412.2, NM_001319226.2, NM_001382627.1); c.2519T>G, p.Leu840Ter (NM_001382625.1, NM_001382626.1); c.2477T>G, p.Leu826Ter (NM_001382628.1); short protein forms L826*, L839*, L840*.
Identifiers: ClinVar variation 4070921 (VCV004070921.1).